The following is an entry in ClinVar:

NM_001048174.2(MUTYH):c.1007G>A (p.Arg336His)

Gene: MUTYH (mutY DNA glycosylase; minus strand). Cytogenetic location: 1p34.1.
Variant type: single nucleotide variant.
Coding change: c.1007G>A on transcript NM_001048174.2 (MANE Select); coding-DNA position 1007, G replaced by A.
Protein change: p.Arg336His; replaces arginine 336 with histidine.
Molecular consequence: missense variant. On other transcripts: non-coding transcript variant (2).
Genome position (GRCh38, 1-based): chr1:45,331,756, C>T on the plus strand (G>A on the coding strand, the complement: MUTYH is on the minus strand). VCF-style: chr1-45331756-C-T. GRCh37 (hg19) VCF-style: chr1-45797428-C-T.
Other names: c.1007G>A, p.Arg336His (NM_001048171.2, NM_001048173.2, NM_001293195.2); c.1010G>A, p.Arg337His (NM_001048172.2); c.1091G>A, p.Arg364His (NM_001128425.2); c.1052G>A, p.Arg351His (NM_001293190.2); c.1040G>A, p.Arg347His (NM_001293191.2); c.731G>A, p.Arg244His (NM_001293192.2, NM_001293196.2); c.662G>A, p.Arg221His (NM_001350650.2, NM_001350651.2); c.1082G>A, p.Arg361His (NM_012222.3); short protein forms R364H, R244H, R337H, R347H, R221H, R361H, R336H, R351H.
Identifiers: ClinVar variation 135980 (VCV000135980.25), dbSNP rs587780741, ClinGen allele CA012099.
Genomic context (GRCh38, chr1:45,331,756, plus strand): 5'-CCAAGGGCCCCAGGCTGTTCCAGAACACAGGTGGCAGAGCTCTCCTCCCTGGGGGGCTTG[C>T]GGCTGGCCTTTCTGGGGAAGTTGACCACTCCCAGGGTCTGGTCCCAGGGCTCCGAGGGAG-3'
Protein context (NP_001041639.1, residues 326-346): GVVNFPRKAS[Arg336His]KPPREESSAT

ClinVar aggregate classification (germline): Conflicting classifications of pathogenicity. Review status: criteria provided, conflicting classifications (1 of 4 stars). 8 submissions from 8 submitters: Uncertain significance (7); Likely benign (1). Last evaluated 2026-01-28.

Conditions:
MUTYH-related disorder. Also called: MUTYH-related condition; MUTYH-related disorders.
Hereditary cancer-predisposing syndrome. Also called: Tumor predisposition; Hereditary neoplastic syndrome; Neoplastic Syndromes, Hereditary; Hereditary Cancer Syndrome. Identifiers: Orphanet 140162, MedGen C0027672, MeSH D009386, MONDO:0015356.
Familial adenomatous polyposis 2. Also called: COLORECTAL ADENOMATOUS POLYPOSIS, AUTOSOMAL RECESSIVE; MUTYH Polyposis; MYH-associated polyposis; FAP type 2; ADENOMAS, MULTIPLE COLORECTAL, AUTOSOMAL RECESSIVE; MUTYH-related attenuated familial adenomatous polyposis. Identifiers: Orphanet 220460, Orphanet 247798, MedGen C3272841, MONDO:0012041, OMIM 608456.

Allele frequency attached by ClinVar (database versions not stated): ExAC 0.00002; gnomAD exomes 0.00002; gnomAD 0.00003; TOPMed 0.00004.
gnomAD v4.1: 22 of 1,613,840 alleles (0.0014%); highest among the groups gnomAD compares: Middle Eastern, 0.016%; no homozygotes.

Submissions (8):

Labcorp Genetics (formerly Invitae), Labcorp
Classification: Uncertain significance for Familial adenomatous polyposis 2. Last evaluated: 2026-01-28. Review status: criteria provided, single submitter. Criteria: Invitae Variant Classification Sherloc (09022015). Collection method: clinical testing. Allele origin: germline.
Comment: This sequence change replaces arginine, which is basic and polar, with histidine, which is basic and polar, at codon 364 of the MUTYH protein (p.Arg364His). This variant is present in population databases (rs587780741, gnomAD 0.03%). This missense change has been observed in individual(s) with clinical features of MUTYH-related conditions (PMID: 21520333, 28873162, 32390558, 34816434). ClinVar contains an entry for this variant (Variation ID: 135980). An algorithm developed to predict the effect of missense changes on protein structure and function (PolyPhen-2) suggests that this variant is likely to be disruptive. In summary, the available evidence is currently insufficient to determine the role of this variant in disease. Therefore, it has been classified as a Variant of Uncertain Significance.

Ambry Genetics
Classification: Likely benign for Hereditary cancer-predisposing syndrome. Last evaluated: 2025-08-19. Review status: criteria provided, single submitter. Criteria: Ambry Variant Classification Scheme 2023. Collection method: clinical testing. Allele origin: germline.

Women's Health and Genetics/Laboratory Corporation of America, LabCorp
Classification: Uncertain significance. Last evaluated: 2023-11-06. Review status: criteria provided, single submitter. Criteria: LabCorp Variant Classification Summary - May 2015. Collection method: clinical testing. Allele origin: germline.
Comment: Variant summary: MUTYH c.1091G>A (p.Arg364His) results in a non-conservative amino acid change in the encoded protein sequence. Five of five in-silico tools predict a damaging effect of the variant on protein function. The variant allele was found at a frequency of 2e-05 in 249798 control chromosomes. The available data on variant occurrences in the general population are insufficient to allow any conclusion about variant significance. c.1091G>A has been reported in the literature in individuals affected with Lynch syndrome (e.g. Yalcintepe_2020), acute megakaryoblastic leukemia (e.g. Zhang_2015), prostate adenocarcinoma or other cancer (e.g. Barreiro_2022) without evidence for causality and often reported as a VUS. These report(s) do not provide unequivocal conclusions about association of the variant with MUTYH-Associated Polyposis. To our knowledge, no experimental evidence demonstrating an impact on protein function has been reported. The following publications have been ascertained in the context of this evaluation (PMID: 34816434, 32390558, 26580448). Four submitters have cited clinical-significance assessments for this variant to ClinVar after 2014. All submitters classified the variant as uncertain significance. Based on the evidence outlined above, the variant was classified as uncertain significance.

Baylor Genetics
Classification: Uncertain significance for Familial adenomatous polyposis 2. Last evaluated: 2023-10-10. Review status: criteria provided, single submitter. Criteria: ACMG Guidelines, 2015. Collection method: clinical testing. Allele origin: unknown.

Quest Diagnostics Nichols Institute San Juan Capistrano
Classification: Uncertain significance. Last evaluated: 2023-02-21. Review status: criteria provided, single submitter. Criteria: Quest Diagnostics criteria. Collection method: clinical testing. Allele origin: unknown.
Comment: The frequency of this variant in the general population, 0.00029 (7/24540 chromosomes), is uninformative in assessment of its pathogenicity. In the published literature, the variant has been reported in a cohort of individuals with advanced cancer undergoing paired tumor-germline sequencing (PMID: 28873162 (2017)), as well as in an individual with gastrointestinal cancer (PMID: 32390558 (2018)). In a large-scale breast cancer association study, the variant was observed in individuals with breast cancer as well as in an unaffected individual (PMID: 33471991 (2021), see also LOVD). Analysis of this variant using bioinformatics tools for the prediction of the effect of amino acid changes on protein structure and function yielded conflicting predictions that this variant is benign or damaging. Based on the available information, we are unable to determine the clinical significance of this variant.

PreventionGenetics, part of Exact Sciences
Classification: Uncertain significance for MUTYH-related condition. Last evaluated: 2022-11-18. Review status: criteria provided, single submitter. Criteria: ACMG Guidelines, 2015. Collection method: clinical testing. Allele origin: germline.
Comment: The MUTYH c.1091G>A variant is predicted to result in the amino acid substitution p.Arg364His. This variant has been reported in an individual with advanced cancer and an individual with a Lynch syndrome indication (eTable, Mandelker et al. 2017. PubMed ID: 28873162; Table 4, Yalcintepe et al. 2020. PubMed ID: 32390558). This variant is reported in 0.029% of alleles in individuals of African descent in gnomAD and is interpreted as uncertain significance in ClinVar. At this time, the clinical significance of this variant is uncertain due to the absence of conclusive functional and genetic evidence.

Color Diagnostics, LLC DBA Color Health
Classification: Uncertain significance for Hereditary cancer-predisposing syndrome. Last evaluated: 2022-08-29. Review status: criteria provided, single submitter. Criteria: ACMG Guidelines, 2015. Collection method: clinical testing. Allele origin: germline.
Comment: This missense variant replaces arginine with histidine at codon 364 of the MUTYH protein. Computational prediction suggests that this variant may not impact protein structure and function (internally defined REVEL score threshold <= 0.5, PMID: 27666373). To our knowledge, functional studies have not been performed for this variant. This variant has been reported in an individual affected with unspecified cancer (PMID: 28873162). This variant has been identified in 7/281190 chromosomes in the general population by the Genome Aggregation Database (gnomAD). The available evidence is insufficient to determine the role of this variant in disease conclusively. Therefore, this variant is classified as a Variant of Uncertain Significance.

Sema4
Classification: Uncertain significance for Hereditary cancer-predisposing syndrome. Last evaluated: 2022-02-21. Review status: criteria provided, single submitter. Criteria: Sema4 Curation Guidelines. Collection method: curation. Allele origin: germline.
Comment: The MUTYH c.1091G>A (p.R364H) has been reported in heterozygosity in one individual with gastrointestinal cancer/polyposis (PMID: 32390558) and in one individual with an unspecified type of cancer (PMID: 28873162). This variant has also been reported in 2/60466 breast cancer cases and 1/53461 healthy controls by a large case-control study (PMID: 33471991). It was observed in 7/24540 chromosomes in the African/African American population according to the Genome Aggregation Database (PMID: 32461654). This variant has been reported in ClinVar (Variation ID: 135980). Functional studies have not been performed, and in silico predictions of the variant's effect on protein function are inconclusive. The evidence is insufficient to meet ACMG/AMP criteria for classifying the variant as benign or pathogenic. Thus, the clinical significance of this variant is currently uncertain.

Literature cited by the submitters: PubMed 21520333 (cited by Labcorp Genetics (formerly Invitae), Labcorp); PubMed 28873162 (cited by 5 submitters); PubMed 32390558 (cited by 5 submitters); PubMed 34816434 (cited by Labcorp Genetics (formerly Invitae), Labcorp and Women's Health and Genetics/Laboratory Corporation of America, LabCorp); PubMed 40738107 (cited by Ambry Genetics); PubMed 26580448 (cited by Women's Health and Genetics/Laboratory Corporation of America, LabCorp); PubMed 33471991 (cited by Quest Diagnostics Nichols Institute San Juan Capistrano and Sema4).